The following is an entry in ClinVar:

ClinVar aggregate classification (germline): Pathogenic. Review status: criteria provided, multiple submitters, no conflicts (2 of 4 stars). 3 submissions from 3 submitters: Pathogenic (2). 1 of the submissions does not count toward it. Last evaluated 2025-07-08.

Conditions:
Fanconi anemia complementation group A (FANCA). Also called: Fanconi anemia, group A; FANCA-Related Fanconi Anemia. Identifiers: Orphanet 84, MedGen C3469521, MONDO:0009215, OMIM 227650.

gnomAD v4.1: 2 of 1,614,128 alleles (0.00012%); highest among the groups gnomAD compares: South Asian, 0.0011%; no homozygotes.

Submissions (3):

Myriad Genetics, Inc.
Classification: Pathogenic for Fanconi anemia complementation group A. Last evaluated: 2025-07-08. Review status: criteria provided, single submitter. Criteria: Myriad Autosomal Dominant, Autosomal Recessive and X-Linked Classification Criteria (2023). Collection method: clinical testing. Allele origin: unknown.
Comment: NM_000135.2(FANCA):c.3286C>T(Q1096*) is a nonsense variant classified as pathogenic in the context of Fanconi anemia complementation group A. Q1096* has been observed in a case with relevant disease (PMID: 27041517). Relevant functional assessments of this variant are not available in the literature. Q1096* has been observed in referenced population frequency databases. In summary, NM_000135.2(FANCA):c.3286C>T(Q1096*) is a nonsense variant in a gene where loss of function is a known mechanism of disease, is predicted to disrupt protein function, and has been observed more frequently in cases with the relevant disease than in healthy populations. Please note: this variant was assessed in the context of healthy population screening.

Baylor Genetics
Classification: Pathogenic for Fanconi anemia complementation group A. Last evaluated: 2022-07-05. Review status: criteria provided, single submitter. Criteria: ACMG Guidelines, 2015. Collection method: clinical testing. Allele origin: unknown.

Leiden Open Variation Database
Classification: Pathogenic for Fanconi anemia complementation group A. Last evaluated: 2020-02-28. Review status: no assertion criteria provided. Collection method: curation. Allele origin: germline. Affected: yes. Not counted in ClinVar's aggregate classification.
Comment: Curator: Arleen D. Auerbach. Submitter to LOVD: Arleen D. Auerbach.

Literature cited by the submitters: PubMed 27041517 (cited by Myriad Genetics, Inc.).

NM_000135.4(FANCA):c.3286C>T (p.Gln1096Ter)

Gene: FANCA (FA complementation group A; minus strand). Cytogenetic location: 16q24.3.
Variant type: single nucleotide variant.
Coding change: c.3286C>T on transcript NM_000135.4 (MANE Select); coding-DNA position 3286, C replaced by T.
Protein change: p.Gln1096Ter; replaces glutamine 1096 with a stop codon.
Molecular consequence: nonsense.
Genome position (GRCh38, 1-based): chr16:89,748,721, G>A on the plus strand (C>T on the coding strand, the complement: FANCA is on the minus strand). VCF-style: chr16-89748721-G-A. GRCh37 (hg19) VCF-style: chr16-89815129-G-A.
Other names: c.3286C>T, p.Gln1096Ter (NM_001286167.3); short protein forms Q1096*.
Identifiers: ClinVar variation 974347 (VCV000974347.3), dbSNP rs775799529, ClinGen allele CA397486316.